The following is an entry in ClinVar:

NM_001035.3(RYR2):c.7539C>T (p.Ala2513=)

Gene: RYR2 (ryanodine receptor 2; plus strand). Cytogenetic location: 1q43.
Variant type: single nucleotide variant.
Coding change: c.7539C>T on transcript NM_001035.3 (MANE Select); coding-DNA position 7539, C replaced by T.
Protein change: p.Ala2513=; no amino-acid change (alanine 2513 retained).
Molecular consequence: synonymous variant.
Genome position (GRCh38, 1-based): chr1:237,649,903, C>T. VCF-style: chr1-237649903-C-T. GRCh37 (hg19) VCF-style: chr1-237813203-C-T.
Other names: c.7539C>T (NM_001035.2).
Identifiers: ClinVar variation 1946177 (VCV001946177.7), dbSNP rs745761104, ClinGen allele CA087423.

ClinVar aggregate classification (germline): Likely benign. Review status: criteria provided, multiple submitters, no conflicts (2 of 4 stars). 4 submissions from 4 submitters: Likely benign (4). Last evaluated 2024-05-02.

Conditions:
Cardiomyopathy (CMYO). Also called: Cardiomyopathies. Identifiers: Orphanet 167848, MedGen C0878544, MONDO:0004994, HP:0001638. Inheritance: Various modes of inheritance.
Catecholaminergic polymorphic ventricular tachycardia 1. Also called: VENTRICULAR TACHYCARDIA, STRESS-INDUCED POLYMORPHIC 1; VENTRICULAR TACHYCARDIA, CATECHOLAMINERGIC POLYMORPHIC, 1, WITH OR WITHOUT ATRIAL DYSFUNCTION AND/OR DILATED CARDIOMYOPATHY; RYR2-Related Catecholaminergic Polymorphic Ventricular Tachycardia. Identifiers: Orphanet 3286, MedGen C1631597, MONDO:0011484, OMIM 604772.
Cardiovascular phenotype. Identifiers: MedGen CN230736.
Catecholaminergic polymorphic ventricular tachycardia (CVPT). Also called: Catecholamine-induced polymorphic ventricular tachycardia. Identifiers: Orphanet 3286, MedGen C5574922, MONDO:0017990.

Allele frequency attached by ClinVar (database versions not stated): ExAC 0.00001.
gnomAD v4.1: 1 of 1,613,926 alleles (0.000062%); highest among the groups gnomAD compares: South Asian, 0.0011%; no homozygotes.

Submissions (4):

Ambry Genetics
Classification: Likely benign for Cardiovascular phenotype. Last evaluated: 2024-05-02. Review status: criteria provided, single submitter. Criteria: Ambry Variant Classification Scheme 2023. Collection method: clinical testing. Allele origin: germline.

All of Us Research Program, National Institutes of Health
Classification: Likely benign for Catecholaminergic polymorphic ventricular tachycardia. Last evaluated: 2023-09-17. Review status: criteria provided, single submitter. Criteria: ACMG Guidelines, 2015. Collection method: clinical testing. Allele origin: germline. Inheritance: Autosomal dominant inheritance. Observed: 1 variant allele, 1 heterozygote.
Comment: This study involves interpretation of variants in research participants for the purpose of population health screening. Participant phenotype was not available at the time of variant classification. Additional details can be found in publication PMID: 35346344, PMCID: PMC8962531

Color Diagnostics, LLC DBA Color Health
Classification: Likely benign for Cardiomyopathy. Last evaluated: 2023-09-13. Review status: criteria provided, single submitter. Criteria: ACMG Guidelines, 2015. Collection method: clinical testing. Allele origin: germline.

Labcorp Genetics (formerly Invitae), Labcorp
Classification: Likely benign for Catecholaminergic polymorphic ventricular tachycardia 1. Last evaluated: 2022-09-12. Review status: criteria provided, single submitter. Criteria: Invitae Variant Classification Sherloc (09022015). Collection method: clinical testing. Allele origin: germline.